The following is an entry in ClinVar:

ClinVar aggregate classification (germline): Uncertain significance (1 of 4 stars; one submission).

Submission:

GeneDx
Classification: Uncertain significance. Last evaluated: 2024-08-27. Review status: criteria provided, single submitter. Criteria: GeneDx Variant Classification Process June 2021. Collection method: clinical testing. Allele origin: germline. Affected: yes.
Comment: Not observed at significant frequency in large population cohorts (gnomAD); In silico analysis indicates that this missense variant does not alter protein structure/function; Has not been previously published as pathogenic or benign to our knowledge

NM_001260.3(CDK8):c.44G>A (p.Arg15Gln)

Genes: CDK8 (cyclin dependent kinase 8; plus strand), LOC130009416 (ATAC-STARR-seq lymphoblastoid silent region 5186; plus strand). Cytogenetic location: 13q12.13.
Variant type: single nucleotide variant.
Coding change: c.44G>A on transcript NM_001260.3 (MANE Select); coding-DNA position 44, G replaced by A.
Protein change: p.Arg15Gln; replaces arginine 15 with glutamine.
Molecular consequence: missense variant. On other transcripts: 5 prime UTR variant (1).
Genome position (GRCh38, 1-based): chr13:26,254,685, G>A. VCF-style: chr13-26254685-G-A. GRCh37 (hg19) VCF-style: chr13-26828822-G-A.
Other names: c.44G>A, p.Arg15Gln (NM_001318368.2); c.-418G>A (NM_001346501.2); short protein forms R15Q.
Identifiers: ClinVar variation 3766403 (VCV003766403.1).